The following is an entry in ClinVar:

NC_000001.10:g.(?_876504)_(879533_?)dup

Gene: SAMD11 (sterile alpha motif domain containing 11; plus strand). Cytogenetic location: 1p36.33.
Variant type: Duplication.
Identifiers: ClinVar variation 1500368 (VCV001500368.4).

ClinVar aggregate classification (germline): Uncertain significance (1 of 4 stars; one submission).

Submission:

Labcorp Genetics (formerly Invitae), Labcorp
Classification: Uncertain significance. Last evaluated: 2022-10-25. Review status: criteria provided, single submitter. Criteria: Invitae Variant Classification Sherloc (09022015). Collection method: clinical testing. Allele origin: germline.
Comment: This variant results in a copy number gain of the genomic region encompassing exon(s) 8-14 of the SAMD11 gene. This region includes the termination codon of the gene. This copy number gain extends beyond the assayed region for this gene and therefore may encompass additional genes. As the precise location of this event is unknown, it may be in tandem or it may be located elsewhere in the genome. This variant has not been reported in the literature in individuals affected with SAMD11-related conditions. Experimental studies and prediction algorithms are not available or were not evaluated, and the functional significance of this variant is currently unknown. In summary, the available evidence is currently insufficient to determine the role of this variant in disease. Therefore, it has been classified as a Variant of Uncertain Significance.